The following is an entry in ClinVar:

ClinVar aggregate classification (germline): Uncertain significance (1 of 4 stars; one submission).

Submission:

Ambry Genetics
Classification: Uncertain significance. Last evaluated: 2023-06-03. Review status: criteria provided, single submitter. Criteria: Ambry Variant Classification Scheme 2023. Collection method: clinical testing. Allele origin: germline.
Comment: The p.L166M variant (also known as c.496C>A), located in coding exon 1 of the MLH3 gene, results from a C to A substitution at nucleotide position 496. The leucine at codon 166 is replaced by methionine, an amino acid with highly similar properties. This amino acid position is conserved. In addition, the in silico prediction for this alteration is inconclusive. Since supporting evidence is limited at this time, the clinical significance of this alteration remains unclear.

NM_001040108.2(MLH3):c.496C>A (p.Leu166Met)

Gene: MLH3 (mutL homolog 3; minus strand). Cytogenetic location: 14q24.3.
Variant type: single nucleotide variant.
Coding change: c.496C>A on transcript NM_001040108.2 (MANE Select); coding-DNA position 496, C replaced by A.
Protein change: p.Leu166Met; replaces leucine 166 with methionine.
Molecular consequence: missense variant.
Genome position (GRCh38, 1-based): chr14:75,049,160, G>T on the plus strand (C>A on the coding strand, the complement: MLH3 is on the minus strand). VCF-style: chr14-75049160-G-T. GRCh37 (hg19) VCF-style: chr14-75515863-G-T.
Other names: c.496C>A, p.Leu166Met (NM_014381.3); short protein forms L166M.
Identifiers: ClinVar variation 2563580 (VCV002563580.2), dbSNP rs148089424, ClinGen allele CA390450035.